The following is an entry in ClinVar:

NM_000089.4(COL1A2):c.3950G>A (p.Cys1317Tyr)

Gene: COL1A2 (collagen type I alpha 2 chain; plus strand). Cytogenetic location: 7q21.3.
Variant type: single nucleotide variant.
Coding change: c.3950G>A on transcript NM_000089.4 (MANE Select); coding-DNA position 3950, G replaced by A.
Protein change: p.Cys1317Tyr; replaces cysteine 1317 with tyrosine.
Molecular consequence: missense variant.
Genome position (GRCh38, 1-based): chr7:94,429,426, G>A. VCF-style: chr7-94429426-G-A. GRCh37 (hg19) VCF-style: chr7-94058738-G-A.
Other names: c.3950G>A (NM_000089.3); short protein forms C1317Y.
Identifiers: ClinVar variation 1486036 (VCV001486036.9), dbSNP rs2115967180, ClinGen allele CA368227104.

ClinVar aggregate classification (germline): Conflicting classifications of pathogenicity. Review status: criteria provided, conflicting classifications (1 of 4 stars). 2 submissions from 2 submitters: Likely pathogenic (1); Uncertain significance (1). Last evaluated 2025-05-04.

Conditions:
Ehlers-Danlos syndrome, classic type, 1 (EDSCL1). Also called: EHLERS-DANLOS SYNDROME, GRAVIS TYPE; EHLERS-DANLOS SYNDROME, SEVERE CLASSIC TYPE; Ehlers-Danlos syndrome, type 1; Ehlers-Danlos Syndrome, Classic Type, COL5A1-Related; EDS I. Identifiers: MedGen C0268335, MONDO:0019567, OMIM 130000.
Osteogenesis imperfecta type I (OI1). Also called: OI, TYPE I; OSTEOGENESIS IMPERFECTA TARDA; OSTEOGENESIS IMPERFECTA WITH BLUE SCLERAE; Osteogenesis imperfecta type 1; Lobstein's Disease; Lobstein disease. Identifiers: Orphanet 216796, Orphanet 666, MedGen C0023931, MONDO:0008146, OMIM 166200. Disease mechanism: loss of function.

Submissions (2):

Labcorp Genetics (formerly Invitae), Labcorp
Classification: Likely pathogenic for Osteogenesis imperfecta type I; Ehlers-Danlos syndrome, classic type, 1. Last evaluated: 2025-05-04. Review status: criteria provided, single submitter. Criteria: Invitae Variant Classification Sherloc (09022015). Collection method: clinical testing. Allele origin: germline.
Comment: This sequence change replaces cysteine, which is neutral and slightly polar, with tyrosine, which is neutral and polar, at codon 1317 of the COL1A2 protein (p.Cys1317Tyr). This variant is not present in population databases (gnomAD no frequency). This missense change has been observed in individual(s) with clinical features of osteogenesis imperfecta (internal data). It has also been observed to segregate with disease in related individuals. ClinVar contains an entry for this variant (Variation ID: 1486036). Invitae Evidence Modeling of protein sequence and biophysical properties (such as structural, functional, and spatial information, amino acid conservation, physicochemical variation, residue mobility, and thermodynamic stability) indicates that this missense variant is expected to disrupt COL1A2 protein function with a positive predictive value of 95%. In summary, the currently available evidence indicates that the variant is pathogenic, but additional data are needed to prove that conclusively. Therefore, this variant has been classified as Likely Pathogenic.

GeneDx
Classification: Uncertain significance. Last evaluated: 2025-02-06. Review status: criteria provided, single submitter. Criteria: GeneDx Variant Classification Process June 2021. Collection method: clinical testing. Allele origin: germline. Affected: yes.
Comment: Not observed at significant frequency in large population cohorts (gnomAD); In silico analysis supports that this missense variant has a deleterious effect on protein structure/function; Has not been previously published as pathogenic or benign to our knowledge